The following is an entry in ClinVar:

NM_018406.7(MUC4):c.8200A>G (p.Thr2734Ala)

Gene: MUC4 (mucin 4, cell surface associated). Cytogenetic location: 3q29.
Variant type: single nucleotide variant.
Coding change: c.8200A>G on transcript NM_018406.7 (MANE Select); coding-DNA position 8200, A replaced by G.
Protein change: p.Thr2734Ala; replaces threonine 2734 with alanine.
Molecular consequence: missense variant. On other transcripts: genic upstream transcript variant (2).
Genome position (GRCh38, 1-based): chr3:195,783,380, T>C on the plus strand (A>G on the coding strand, the complement: MUC4 is on the minus strand). VCF-style: chr3-195783380-T-C. GRCh37 (hg19) VCF-style: chr3-195510251-T-C.
Other names: c.11863A>G, p.Thr3955Ala (NM_001322468.1); c.83-9075A>G (NM_138297.5); c.83-4925A>G (NM_004532.6); short protein forms T2734A, T3955A.
Identifiers: ClinVar variation 2654452 (VCV002654452.24), dbSNP rs768514907, ClinGen allele CA2771791.

ClinVar aggregate classification (germline): Likely benign (1 of 4 stars; one submission).

Allele frequency attached by ClinVar (database versions not stated): gnomAD 0.00306; ExAC 0.00435.

Submission:

CeGaT Center for Human Genetics Tuebingen
Classification: Likely benign. Last evaluated: 2023-08-01. Review status: criteria provided, single submitter. Criteria: CeGaT Center For Human Genetics Tuebingen Variant Classification Criteria Version 2. Collection method: clinical testing. Allele origin: germline. Affected: yes. Observed: 2 variant alleles.
Comment: MUC4: BS2